The following is an entry in ClinVar:

ClinVar aggregate classification (germline): Uncertain significance (1 of 4 stars; one submission).

Conditions:
Regional enteritis. Also called: Enteritis, Granulomatous. Identifiers: MedGen C0678202, MeSH D003424.
Blau syndrome (BLAUS). Also called: ARTHROCUTANEOUVEAL GRANULOMATOSIS; GRANULOMATOSIS, FAMILIAL JUVENILE SYSTEMIC; GRANULOMATOSIS, FAMILIAL, BLAU TYPE; GRANULOMATOUS INFLAMMATORY ARTHRITIS, DERMATITIS, AND UVEITIS, FAMILIAL; JABS SYNDROME. Identifiers: Orphanet 90340, MedGen C5201146, MONDO:0008523, OMIM 186580.

gnomAD v4.1: 11 of 1,613,430 alleles (0.00068%); highest among the groups gnomAD compares: South Asian, 0.0033%; no homozygotes.

Submission:

Labcorp Genetics (formerly Invitae), Labcorp
Classification: Uncertain significance for Regional enteritis; Blau syndrome. Last evaluated: 2025-09-13. Review status: criteria provided, single submitter. Criteria: Invitae Variant Classification Sherloc (09022015). Collection method: clinical testing. Allele origin: germline.
Comment: This sequence change replaces arginine, which is basic and polar, with cysteine, which is neutral and slightly polar, at codon 823 of the NOD2 protein (p.Arg823Cys). The frequency data for this variant in the population databases is considered unreliable, as metrics indicate poor data quality at this position in the gnomAD database. This variant has not been reported in the literature in individuals affected with NOD2-related conditions. Invitae Evidence Modeling of protein sequence and biophysical properties (such as structural, functional, and spatial information, amino acid conservation, physicochemical variation, residue mobility, and thermodynamic stability) has been performed for this missense variant. However, the output from this modeling did not meet the statistical confidence thresholds required to predict the impact of this variant on NOD2 protein function. In summary, the available evidence is currently insufficient to determine the role of this variant in disease. Therefore, it has been classified as a Variant of Uncertain Significance.

NM_001370466.1(NOD2):c.2386C>T (p.Arg796Cys)

Gene: NOD2 (nucleotide binding oligomerization domain containing 2; plus strand). Cytogenetic location: 16q12.1.
Variant type: single nucleotide variant.
Coding change: c.2386C>T on transcript NM_001370466.1 (MANE Select); coding-DNA position 2386, C replaced by T.
Protein change: p.Arg796Cys; replaces arginine 796 with cysteine.
Molecular consequence: missense variant. On other transcripts: non-coding transcript variant (1).
Genome position (GRCh38, 1-based): chr16:50,716,591, C>T. VCF-style: chr16-50716591-C-T. GRCh37 (hg19) VCF-style: chr16-50750502-C-T.
Other names: c.2386C>T, p.Arg796Cys (NM_001293557.2); c.2467C>T, p.Arg823Cys (NM_022162.3); short protein forms R796C, R823C.
Identifiers: ClinVar variation 4792382 (VCV004792382.1).